The following is an entry in ClinVar:

NM_139215.3(TAF15):c.1604G>A (p.Arg535His)

Gene: TAF15 (TATA-box binding protein associated factor 15; plus strand). Cytogenetic location: 17q12.
Variant type: single nucleotide variant.
Coding change: c.1604G>A on transcript NM_139215.3 (MANE Select); coding-DNA position 1604, G replaced by A.
Protein change: p.Arg535His; replaces arginine 535 with histidine.
Molecular consequence: missense variant.
Genome position (GRCh38, 1-based): chr17:35,844,903, G>A. VCF-style: chr17-35844903-G-A. GRCh37 (hg19) VCF-style: chr17-34171907-G-A.
Other names: c.1595G>A, p.Arg532His (NM_003487.4); c.1604G>A (NM_139215.2); short protein forms R535H, R532H.
Identifiers: ClinVar variation 2355113 (VCV002355113.4), dbSNP rs532683371, ClinGen allele CA290041683.
Genomic context (GRCh38, chr17:35,844,903, plus strand): 5'-ATGGAGGAGATCGAGGAGGCTATGGAGGAGACAGAAGCCGGGGGGGCTATGGAGGAGACC[G>A]TGGTGGTGGCAGTGGCTACGGTGGAGACCGAAGTGGAGGCTATGGAGGAGACAGGAGTGG-3'
Protein context (NP_631961.1, residues 525-545): DRSRGGYGGD[Arg535His]GGGSGYGGDR

ClinVar aggregate classification (germline): Uncertain significance. Review status: criteria provided, single submitter (1 of 4 stars). 2 submissions from 2 submitters: Uncertain significance (1). 1 of the submissions does not count toward it. Last evaluated 2021-10-26.

Conditions:
TAF15-related disorder. Also called: TAF15-related condition.

Allele frequency attached by ClinVar (database versions not stated): ExAC 0.00008; gnomAD 0.00009; TOPMed 0.00011; 1000 Genomes Project 30x 0.00016; 1000 Genomes Project 0.00020.
gnomAD v4.1: 108 of 1,613,086 alleles (0.0067%); highest among the groups gnomAD compares: South Asian, 0.059%; 1 homozygote.

Submissions (2):

Ambry Genetics
Classification: Uncertain significance. Last evaluated: 2021-10-26. Review status: criteria provided, single submitter. Criteria: Ambry Variant Classification Scheme 2023. Collection method: clinical testing. Allele origin: germline.

PreventionGenetics, part of Exact Sciences
Classification: Uncertain significance for TAF15-related condition. Last evaluated: 2024-05-03. Review status: no assertion criteria provided. Collection method: clinical testing. Allele origin: germline. Not counted in ClinVar's aggregate classification.
Comment: The TAF15 c.1604G>A variant is predicted to result in the amino acid substitution p.Arg535His. To our knowledge, this variant has not been reported in the literature. This variant is reported in 0.059% of alleles in individuals of South Asian descent in gnomAD, which may be too common to be a primary cause of disease. Although we suspect that this variant may be benign, at this time, the clinical significance of this variant is uncertain due to the absence of conclusive functional and genetic evidence.